The following is an entry in ClinVar:

ClinVar aggregate classification (germline): Uncertain significance (1 of 4 stars; one submission).

gnomAD v4.1: 2 of 1,609,922 alleles (0.00012%); highest among the groups gnomAD compares: Non-Finnish European, 0.00017%; no homozygotes.

Submission:

Labcorp Genetics (formerly Invitae), Labcorp
Classification: Uncertain significance. Last evaluated: 2025-10-25. Review status: criteria provided, single submitter. Criteria: Invitae Variant Classification Sherloc (09022015). Collection method: clinical testing. Allele origin: germline.
Comment: This sequence change replaces alanine, which is neutral and non-polar, with glutamic acid, which is acidic and polar, at codon 686 of the GRID2 protein (p.Ala686Glu). This variant is not present in population databases (gnomAD no frequency). This variant has not been reported in the literature in individuals affected with GRID2-related conditions. Invitae Evidence Modeling of protein sequence and biophysical properties (such as structural, functional, and spatial information, amino acid conservation, physicochemical variation, residue mobility, and thermodynamic stability) indicates that this missense variant is not expected to disrupt GRID2 protein function with a negative predictive value of 80%. In summary, the available evidence is currently insufficient to determine the role of this variant in disease. Therefore, it has been classified as a Variant of Uncertain Significance.

NM_001510.4(GRID2):c.2057C>A (p.Ala686Glu)

Gene: GRID2 (glutamate ionotropic receptor delta type subunit 2; plus strand). Cytogenetic location: 4q22.2.
Variant type: single nucleotide variant.
Coding change: c.2057C>A on transcript NM_001510.4 (MANE Select); coding-DNA position 2057, C replaced by A.
Protein change: p.Ala686Glu; replaces alanine 686 with glutamic acid.
Molecular consequence: missense variant.
Genome position (GRCh38, 1-based): chr4:93,515,275, C>A. VCF-style: chr4-93515275-C-A. GRCh37 (hg19) VCF-style: chr4-94436426-C-A.
Other names: c.1772C>A, p.Ala591Glu (NM_001286838.1); c.2057C>A, p.Ala686Glu (NM_001440459.1); short protein forms A591E, A686E.
Identifiers: ClinVar variation 4742704 (VCV004742704.1).
Genomic context (GRCh38, chr4:93,515,275, plus strand): 5'-GGTCTCTCCAGGACCTTTCCAAGCAAACAGAAATCCCTTATGGCACAGTCCTAGACTCTG[C>A]GGTATATGAGCATGTCCGCATGAAAGGACTGAATCCTTTTGAGAGGGACAGCATGTATTC-3'
Protein context (NP_001501.2, residues 676-696): EIPYGTVLDS[Ala686Glu]VYEHVRMKGL